The following is an entry in ClinVar:

ClinVar aggregate classification (germline): Uncertain significance. Review status: criteria provided, multiple submitters, no conflicts (2 of 4 stars). 2 submissions from 2 submitters: Uncertain significance (2). Last evaluated 2025-06-12.

Conditions:
Inborn genetic diseases. Identifiers: MedGen C0950123, MeSH D030342.
Fanconi anemia (FA). Also called: Fanconi's anemia. Identifiers: Orphanet 84, MedGen C0015625, MeSH D005199, MONDO:0019391.

Allele frequency attached by ClinVar (database versions not stated): TOPMed below 0.00001; gnomAD 0.00001.
gnomAD v4.1: 1 of 1,613,902 alleles (0.000062%); highest among the groups gnomAD compares: African/African-American, 0.0013%; no homozygotes.

Submissions (2):

Labcorp Genetics (formerly Invitae), Labcorp
Classification: Uncertain significance for Fanconi anemia. Last evaluated: 2025-06-12. Review status: criteria provided, single submitter. Criteria: Invitae Variant Classification Sherloc (09022015). Collection method: clinical testing. Allele origin: germline.
Comment: This sequence change replaces cysteine, which is neutral and slightly polar, with tyrosine, which is neutral and polar, at codon 225 of the FANCA protein (p.Cys225Tyr). This variant is not present in population databases (gnomAD no frequency). This variant has not been reported in the literature in individuals affected with FANCA-related conditions. ClinVar contains an entry for this variant (Variation ID: 2169440). Invitae Evidence Modeling of protein sequence and biophysical properties (such as structural, functional, and spatial information, amino acid conservation, physicochemical variation, residue mobility, and thermodynamic stability) indicates that this missense variant is not expected to disrupt FANCA protein function with a negative predictive value of 95%. In summary, the available evidence is currently insufficient to determine the role of this variant in disease. Therefore, it has been classified as a Variant of Uncertain Significance.

Ambry Genetics
Classification: Uncertain significance for Inborn genetic diseases. Last evaluated: 2024-12-21. Review status: criteria provided, single submitter. Criteria: Ambry Variant Classification Scheme 2023. Collection method: clinical testing. Allele origin: germline.
Comment: The p.C225Y variant (also known as c.674G>A), located in coding exon 7 of the FANCA gene, results from a G to A substitution at nucleotide position 674. The cysteine at codon 225 is replaced by tyrosine, an amino acid with highly dissimilar properties. This amino acid position is conserved. In addition, this alteration is predicted to be tolerated by in silico analysis. Based on the available evidence, the clinical significance of this variant remains unclear.

NM_000135.4(FANCA):c.674G>A (p.Cys225Tyr)

Gene: FANCA (FA complementation group A; minus strand). Cytogenetic location: 16q24.3.
Variant type: single nucleotide variant.
Coding change: c.674G>A on transcript NM_000135.4 (MANE Select); coding-DNA position 674, G replaced by A.
Protein change: p.Cys225Tyr; replaces cysteine 225 with tyrosine.
Molecular consequence: missense variant.
Genome position (GRCh38, 1-based): chr16:89,805,315, C>T on the plus strand (G>A on the coding strand, the complement: FANCA is on the minus strand). VCF-style: chr16-89805315-C-T. GRCh37 (hg19) VCF-style: chr16-89871723-C-T.
Other names: c.674G>A, p.Cys225Tyr (NM_001018112.3, NM_001286167.3); c.578G>A, p.Cys193Tyr (NM_001351830.2); short protein forms C225Y, C193Y.
Identifiers: ClinVar variation 2169440 (VCV002169440.3), dbSNP rs1387205984, ClinGen allele CA397477856.